The following is an entry in ClinVar:

ClinVar aggregate classification (germline): Uncertain significance. Review status: criteria provided, multiple submitters, no conflicts (2 of 4 stars). 2 submissions from 2 submitters: Uncertain significance (2). Last evaluated 2025-06-07.

Conditions:
Bloom syndrome (BLM). Also called: Bloom-Torre-Machacek syndrome. Identifiers: Orphanet 125, MedGen C0005859, MONDO:0008876, OMIM 210900.
Hereditary cancer-predisposing syndrome. Also called: Tumor predisposition; Hereditary Cancer Syndrome; Hereditary neoplastic syndrome; Neoplastic Syndromes, Hereditary. Identifiers: Orphanet 140162, MedGen C0027672, MeSH D009386, MONDO:0015356.

Submissions (2):

Ambry Genetics
Classification: Uncertain significance for Hereditary cancer-predisposing syndrome. Last evaluated: 2025-06-07. Review status: criteria provided, single submitter. Criteria: Ambry Variant Classification Scheme 2023. Collection method: clinical testing. Allele origin: germline.

Labcorp Genetics (formerly Invitae), Labcorp
Classification: Uncertain significance for Bloom syndrome. Last evaluated: 2021-09-24. Review status: criteria provided, single submitter. Criteria: Invitae Variant Classification Sherloc (09022015). Collection method: clinical testing. Allele origin: germline.
Comment: This sequence change replaces serine with tyrosine at codon 601 of the BLM protein (p.Ser601Tyr). The serine residue is weakly conserved and there is a large physicochemical difference between serine and tyrosine. This variant is not present in population databases (ExAC no frequency). This variant has not been reported in the literature in individuals affected with BLM-related conditions. Algorithms developed to predict the effect of missense changes on protein structure and function are either unavailable or do not agree on the potential impact of this missense change (SIFT: "Deleterious"; PolyPhen-2: "Possibly Damaging"; Align-GVGD: "Class C0"). In summary, the available evidence is currently insufficient to determine the role of this variant in disease. Therefore, it has been classified as a Variant of Uncertain Significance.

NM_000057.4(BLM):c.1802C>A (p.Ser601Tyr)

Gene: BLM (BLM RecQ like helicase; plus strand). Cytogenetic location: 15q26.1.
Variant type: single nucleotide variant.
Coding change: c.1802C>A on transcript NM_000057.4 (MANE Select); coding-DNA position 1802, C replaced by A.
Protein change: p.Ser601Tyr; replaces serine 601 with tyrosine.
Molecular consequence: missense variant.
Genome position (GRCh38, 1-based): chr15:90,761,175, C>A. VCF-style: chr15-90761175-C-A. GRCh37 (hg19) VCF-style: chr15-91304405-C-A.
Other names: c.1802C>A (NM_000057.2); c.1802C>A, p.Ser601Tyr (NM_001287246.2, NM_001287247.2); c.677C>A, p.Ser226Tyr (NM_001287248.2); short protein forms S226Y, S601Y.
Identifiers: ClinVar variation 1445637 (VCV001445637.8), dbSNP rs751951251, ClinGen allele CA393843873.